The following is an entry in ClinVar:

NM_000051.4(ATM):c.3648T>A (p.Tyr1216Ter)

Gene: ATM (ATM serine/threonine kinase; plus strand). Cytogenetic location: 11q22.3.
Variant type: single nucleotide variant.
Coding change: c.3648T>A on transcript NM_000051.4 (MANE Select); coding-DNA position 3648, T replaced by A.
Protein change: p.Tyr1216Ter; replaces tyrosine 1216 with a stop codon.
Molecular consequence: nonsense.
Genome position (GRCh38, 1-based): chr11:108,282,781, T>A. VCF-style: chr11-108282781-T-A. GRCh37 (hg19) VCF-style: chr11-108153508-T-A.
Other names: c.3648T>A, p.Tyr1216Ter (NM_001351834.2); short protein forms Y1216*.
Identifiers: ClinVar variation 4866468 (VCV004866468.1).

ClinVar aggregate classification (germline): Pathogenic (1 of 4 stars; one submission).

Conditions:
Hereditary cancer-predisposing syndrome. Also called: Neoplastic Syndromes, Hereditary; Tumor predisposition; Hereditary Cancer Syndrome; Hereditary neoplastic syndrome. Identifiers: Orphanet 140162, MedGen C0027672, MeSH D009386, MONDO:0015356.

Submission:

Ambry Genetics
Classification: Pathogenic for Hereditary cancer-predisposing syndrome. Last evaluated: 2026-04-28. Review status: criteria provided, single submitter. Criteria: Ambry Variant Classification Scheme 2023. Collection method: clinical testing. Allele origin: germline.
Comment: The p.Y1216* pathogenic mutation (also known as c.3648T>A), located in coding exon 24 of the ATM gene, results from a T to A substitution at nucleotide position 3648. This changes the amino acid from a tyrosine to a stop codon within coding exon 24. This variant is considered to be rare based on population cohorts in the Genome Aggregation Database (gnomAD). This alteration is expected to result in loss of function by premature protein truncation or nonsense-mediated mRNA decay. As such, this alteration is interpreted as a disease-causing mutation.